The following is an entry in ClinVar:

NM_000067.3(CA2):c.649G>A (p.Val217Ile)

Gene: CA2 (carbonic anhydrase 2; plus strand). Cytogenetic location: 8q21.2.
Variant type: single nucleotide variant.
Coding change: c.649G>A on transcript NM_000067.3 (MANE Select); coding-DNA position 649, G replaced by A.
Protein change: p.Val217Ile; replaces valine 217 with isoleucine.
Molecular consequence: missense variant.
Genome position (GRCh38, 1-based): chr8:85,477,261, G>A. VCF-style: chr8-85477261-G-A. GRCh37 (hg19) VCF-style: chr8-86389490-G-A.
Other names: c.346G>A, p.Val116Ile (NM_001293675.2); short protein forms V116I, V217I.
Identifiers: ClinVar variation 850547 (VCV000850547.8), dbSNP rs539558180, ClinGen allele CA4796590.
Genomic context (GRCh38, chr8:85,477,261, plus strand): 5'-CTGACCACCCCTCCTCTTCTGGAATGTGTGACCTGGATTGTGCTCAAGGAACCCATCAGC[G>A]TCAGCAGCGAGCAGGTTTGTTTTGTAATGACAGGTCTGTTTACGGGTGGAGCATTTAGTC-3'
Protein context (NP_000058.1, residues 207-227): TWIVLKEPIS[Val217Ile]SSEQVLKFRK

ClinVar aggregate classification (germline): Uncertain significance. Review status: criteria provided, multiple submitters, no conflicts (2 of 4 stars). 2 submissions from 2 submitters: Uncertain significance (2). Last evaluated 2022-01-11.

Conditions:
Osteopetrosis with renal tubular acidosis (OPTB3). Also called: Autosomal recessive osteopetrosis 3. Identifiers: Orphanet 2785, MedGen C0345407, MONDO:0009818, OMIM 259730.

Allele frequency attached by ClinVar (database versions not stated): TOPMed 0.00004; gnomAD 0.00005 and 0.00006; 1000 Genomes Project 0.00020; 1000 Genomes Project 30x 0.00031.

Submissions (2):

Fulgent Genetics
Classification: Uncertain significance for Osteopetrosis with renal tubular acidosis. Last evaluated: 2022-01-11. Review status: criteria provided, single submitter. Criteria: ACMG Guidelines, 2015. Collection method: clinical testing. Allele origin: unknown.

Labcorp Genetics (formerly Invitae), Labcorp
Classification: Uncertain significance. Last evaluated: 2021-09-02. Review status: criteria provided, single submitter. Criteria: Invitae Variant Classification Sherloc (09022015). Collection method: clinical testing. Allele origin: germline.
Comment: This sequence change replaces valine with isoleucine at codon 217 of the CA2 protein (p.Val217Ile). The valine residue is highly conserved and there is a small physicochemical difference between valine and isoleucine. This variant is present in population databases (rs539558180, ExAC 0.01%). This variant has not been reported in the literature in individuals affected with CA2-related conditions. Algorithms developed to predict the effect of missense changes on protein structure and function output the following: SIFT: "Tolerated"; PolyPhen-2: "Benign"; Align-GVGD: "Class C0". The isoleucine amino acid residue is found in multiple mammalian species, which suggests that this missense change does not adversely affect protein function. In summary, the available evidence is currently insufficient to determine the role of this variant in disease. Therefore, it has been classified as a Variant of Uncertain Significance.